The following is an entry in ClinVar:

NM_020975.6(RET):c.1064-9delinsGG

Gene: RET (ret proto-oncogene; plus strand). Cytogenetic location: 10q11.21.
Variant type: Indel.
Coding change: c.1064-9delinsGG on transcript NM_020975.6 (MANE Select); 9 bases into the intron before coding-DNA position 1064, T replaced by GG.
Molecular consequence: intron variant.
Genome position (GRCh38, 1-based): chr10:43,109,022, T replaced by GG. VCF-style: chr10-43109022-T-GG. GRCh37 (hg19) VCF-style: chr10-43604470-T-GG.
Other names: c.1064-9delinsGG (NM_020630.7, NM_001406743.1, NM_001406744.1 and 4 more transcripts); c.868-2185delinsGG (NM_001406772.1, NM_001406769.1); c.626-9delinsGG (NM_001406773.1, NM_001406771.1); c.626-3077delinsGG (NM_001406782.1, NM_001406780.1, NM_001406779.1 and 3 more transcripts); c.935-9delinsGG (NM_001406764.1, NM_001406762.1, NM_001406761.1 and 1 more transcripts); c.739-2185delinsGG (NM_001406774.1); c.497-3077delinsGG (NM_001406786.1, NM_001406783.1); c.776-9delinsGG (NM_001406770.1, NM_001406766.1, NM_001406767.1); and 5 more.
Identifiers: ClinVar variation 2776207 (VCV002776207.3), dbSNP rs2538422865, ClinGen allele CA2739265338.
Genomic context (GRCh38, chr10:43,109,022, plus strand): 5'-AAGAGGTGTGCTACACATGAGGAAGCAGCCAGAGCAGCTTGGTGGTCATTGTTGTGCCCC[T>GG]ACCTGCAGGGCTGGTTCTCAACCGGAACCTCTCCATCTCGGAGAACCGCACCATGCAGCT-3'

ClinVar aggregate classification (germline): Uncertain significance (1 of 4 stars; one submission).

Conditions:
Multiple endocrine neoplasia, type 2 (MEN2). Identifiers: Orphanet 653, MedGen C4048306, MONDO:0019003. Disease mechanism: gain of function.

Submission:

Labcorp Genetics (formerly Invitae), Labcorp
Classification: Uncertain significance for Multiple endocrine neoplasia, type 2. Last evaluated: 2021-11-26. Review status: criteria provided, single submitter. Criteria: Invitae Variant Classification Sherloc (09022015). Collection method: clinical testing. Allele origin: germline.
Comment: This sequence change falls in intron 5 of the RET gene. It does not directly change the encoded amino acid sequence of the RET protein. This variant is not present in population databases (gnomAD no frequency). This variant has not been reported in the literature in individuals affected with RET-related conditions. Algorithms developed to predict the effect of sequence changes on RNA splicing suggest that this variant may disrupt the consensus splice site. In summary, the available evidence is currently insufficient to determine the role of this variant in disease. Therefore, it has been classified as a Variant of Uncertain Significance.